The following is an entry in ClinVar:

ClinVar aggregate classification (germline): Uncertain significance. Review status: criteria provided, multiple submitters, no conflicts (2 of 4 stars). 2 submissions from 2 submitters: Uncertain significance (2). Last evaluated 2026-04-29.

Conditions:
Epilepsy, familial focal, with variable foci 1 (FFEVF1). Also called: DEPDC5-Related Epilepsy. Identifiers: MedGen C4551983, MONDO:0024556, OMIM 604364.
Familial focal epilepsy with variable foci (FPEVF). Identifiers: Orphanet 98820, MedGen C1858477, MONDO:0020310.

gnomAD v4.1: 5 of 1,613,828 alleles (0.00031%); highest among the groups gnomAD compares: Middle Eastern, 0.016%; no homozygotes.

Submissions (2):

Clinical Genomics Laboratory, Washington University in St. Louis
Classification: Uncertain significance for Epilepsy, familial focal, with variable foci 1. Last evaluated: 2026-04-29. Review status: criteria provided, single submitter. Criteria: Leon-Quintero et al. (Clin Genet. 2025). Collection method: clinical testing. Allele origin: somatic.
Comment: A DEPDC5 c.136G>A (p.Asp46Asn) variant was identified at an allelic fraction consistent with somatic origin. This variant, to our knowledge, has not been reported in the medical literature but has been reported in the ClinVar database as a variant of uncertain significance in a germline state by one submitter (Variation ID: 4750710). It has also been reported in a somatic state in a single case of breast cancer in the cancer database COSMIC (COSMIC ID: COSV105854812). The DEPDC5 c.136G>A (p.Asp46Asn) variant is only observed in 5/1,613,828 alleles in the general population (gnomAD v4.1.1). Computational predictors suggest that the variant does not impact DEPDC5 function. Due to limited information, and based on internally developed protocol informed by the ACMG/AMP guidelines for variant interpretation and gene-specific practices from the ClinGen Criteria Specification Registry (Leon-Quintero FZ et al., PMID: 39434542), the clinical significance of the DEPDC5 c.136G>A (p.Asp46Asn) is uncertain at this time.

Labcorp Genetics (formerly Invitae), Labcorp
Classification: Uncertain significance for Familial focal epilepsy with variable foci. Last evaluated: 2025-11-18. Review status: criteria provided, single submitter. Criteria: Invitae Variant Classification Sherloc (09022015). Collection method: clinical testing. Allele origin: germline.
Comment: This sequence change replaces aspartic acid, which is acidic and polar, with asparagine, which is neutral and polar, at codon 46 of the DEPDC5 protein (p.Asp46Asn). This variant is not present in population databases (gnomAD no frequency). This variant has not been reported in the literature in individuals affected with DEPDC5-related conditions. Experimental studies and prediction algorithms are not available or were not evaluated, and the functional significance of this variant is currently unknown. In summary, the available evidence is currently insufficient to determine the role of this variant in disease. Therefore, it has been classified as a Variant of Uncertain Significance.

NM_001242896.3(DEPDC5):c.136G>A (p.Asp46Asn)

Gene: DEPDC5 (DEP domain containing 5, GATOR1 subcomplex subunit; plus strand). Cytogenetic location: 22q12.2.
Variant type: single nucleotide variant.
Coding change: c.136G>A on transcript NM_001242896.3 (MANE Select); coding-DNA position 136, G replaced by A.
Protein change: p.Asp46Asn; replaces aspartic acid 46 with asparagine.
Molecular consequence: missense variant. On other transcripts: non-coding transcript variant (5).
Genome position (GRCh38, 1-based): chr22:31,758,623, G>A. VCF-style: chr22-31758623-G-A. GRCh37 (hg19) VCF-style: chr22-32154609-G-A.
Other names: c.136G>A, p.Asp46Asn (NM_001007188.4, NM_001136029.4, NM_001242897.2 and 9 more transcripts); short protein forms D46N.
Identifiers: ClinVar variation 4750710 (VCV004750710.2).